The following is an entry in ClinVar:

NM_001164665.2(KIAA1549):c.4853G>T (p.Arg1618Leu)

Gene: KIAA1549 (KIAA1549; minus strand). Cytogenetic location: 7q34.
Variant type: single nucleotide variant.
Coding change: c.4853G>T on transcript NM_001164665.2 (MANE Select); coding-DNA position 4853, G replaced by T.
Protein change: p.Arg1618Leu; replaces arginine 1618 with leucine.
Molecular consequence: missense variant.
Genome position (GRCh38, 1-based): chr7:138,868,051, C>A on the plus strand (G>T on the coding strand, the complement: KIAA1549 is on the minus strand). VCF-style: chr7-138868051-C-A. GRCh37 (hg19) VCF-style: chr7-138552797-C-A.
Other names: c.4853G>T, p.Arg1618Leu (NM_020910.3); short protein forms R1618L.
Identifiers: ClinVar variation 838334 (VCV000838334.9), dbSNP rs371041410, ClinGen allele CA167147182.
Genomic context (GRCh38, chr7:138,868,051, plus strand): 5'-GCTGAGTTGTGGACGCCGGGGGGCCTCCTGTAGGTGCCATCGCTGTCTGTGGTGATGAGC[C>A]GGTCCTTCTCAGCGTCGGCAGGACAGCCGTTGACCTGGTGTTTCCGGCGAGGCTTGGGAG-3'
Protein context (NP_001158137.1, residues 1608-1628): NGCPADAEKD[Arg1618Leu]LITTDSDGTY

ClinVar aggregate classification (germline): Uncertain significance (1 of 4 stars; one submission).

Allele frequency attached by ClinVar (database versions not stated): ESP Exome Variant Server 0.00008; TOPMed 0.00010.
gnomAD v4.1: 17 of 1,613,828 alleles (0.0011%); highest among the groups gnomAD compares: African/African-American, 0.0053%; no homozygotes.

Submission:

Labcorp Genetics (formerly Invitae), Labcorp
Classification: Uncertain significance. Last evaluated: 2025-03-17. Review status: criteria provided, single submitter. Criteria: Invitae Variant Classification Sherloc (09022015). Collection method: clinical testing. Allele origin: germline.
Comment: This sequence change replaces arginine, which is basic and polar, with leucine, which is neutral and non-polar, at codon 1618 of the KIAA1549 protein (p.Arg1618Leu). This variant is present in population databases (rs371041410, gnomAD 0.002%). This variant has not been reported in the literature in individuals affected with KIAA1549-related conditions. ClinVar contains an entry for this variant (Variation ID: 838334). An algorithm developed to predict the effect of missense changes on protein structure and function (PolyPhen-2) suggests that this variant is likely to be disruptive. In summary, the available evidence is currently insufficient to determine the role of this variant in disease. Therefore, it has been classified as a Variant of Uncertain Significance.